The following is an entry in ClinVar:

NM_002519.3(NPAT):c.258G>T (p.Trp86Cys)

Gene: NPAT (nuclear protein, coactivator of histone transcription; minus strand). Cytogenetic location: 11q22.3.
Variant type: single nucleotide variant.
Coding change: c.258G>T on transcript NM_002519.3 (MANE Select); coding-DNA position 258, G replaced by T.
Protein change: p.Trp86Cys; replaces tryptophan 86 with cysteine.
Molecular consequence: missense variant.
Genome position (GRCh38, 1-based): chr11:108,192,150, C>A on the plus strand (G>T on the coding strand, the complement: NPAT is on the minus strand). VCF-style: chr11-108192150-C-A. GRCh37 (hg19) VCF-style: chr11-108062877-C-A.
Other names: c.258G>T, p.Trp86Cys (NM_001321307.1); short protein forms W86C.
Identifiers: ClinVar variation 3407222 (VCV003407222.1).

ClinVar aggregate classification (germline): Uncertain significance (1 of 4 stars; one submission).

Submission:

Ambry Genetics
Classification: Uncertain significance. Last evaluated: 2024-09-21. Review status: criteria provided, single submitter. Criteria: Ambry Variant Classification Scheme 2023. Collection method: clinical testing. Allele origin: germline.
Comment: The p.W86C variant (also known as c.258G>T), located in coding exon 4 of the NPAT gene, results from a G to T substitution at nucleotide position 258. The tryptophan at codon 86 is replaced by cysteine, an amino acid with highly dissimilar properties. This amino acid position is conserved. In addition, this alteration is predicted to be deleterious by in silico analysis. Based on the available evidence, the clinical significance of this variant remains unclear.